The following is an entry in ClinVar:

NM_057175.5(NAA15):c.2140C>G (p.Arg714Gly)

Gene: NAA15 (N-alpha-acetyltransferase 15, NatA auxiliary subunit; plus strand). Cytogenetic location: 4q31.1.
Variant type: single nucleotide variant.
Coding change: c.2140C>G on transcript NM_057175.5 (MANE Select); coding-DNA position 2140, C replaced by G.
Protein change: p.Arg714Gly; replaces arginine 714 with glycine.
Molecular consequence: missense variant.
Genome position (GRCh38, 1-based): chr4:139,378,839, C>G. VCF-style: chr4-139378839-C-G. GRCh37 (hg19) VCF-style: chr4-140299993-C-G.
Other names: c.2140C>G, p.Arg714Gly (NM_001410842.1); short protein forms R714G.
Identifiers: ClinVar variation 3602247 (VCV003602247.1).
Genomic context (GRCh38, chr4:139,378,839, plus strand): 5'-TCAGTAAAGAGGGCATTTGCTATTGATTCTAGTCATCCCTGGCTTCATGAGTGTATGATT[C>G]GTCTCTTTAATACTGGTATGTTTTTGTTTTCCATTACTTAAGTATTTGATACAGTGGTTG-3'
Protein context (NP_476516.1, residues 704-724): SHPWLHECMI[Arg714Gly]LFNTAVCESK

ClinVar aggregate classification (germline): Uncertain significance (1 of 4 stars; one submission).

Submission:

GeneDx
Classification: Uncertain significance. Last evaluated: 2024-07-31. Review status: criteria provided, single submitter. Criteria: GeneDx Variant Classification Process June 2021. Collection method: clinical testing. Allele origin: germline. Affected: yes.
Comment: Not observed at significant frequency in large population cohorts (gnomAD); In silico analysis supports that this missense variant has a deleterious effect on protein structure/function; Has not been previously published as pathogenic or benign to our knowledge; In silico analysis is inconclusive as to whether the variant alters gene splicing. In the absence of RNA/functional studies, the actual effect of this sequence change is unknown.